The following is an entry in ClinVar:

ClinVar aggregate classification (germline): Uncertain significance (1 of 4 stars; one submission).

Conditions:
Malignant hyperthermia, susceptibility to, 1 (MHS1). Also called: Anesthesia related hyperthermia; Malignant hyperpyrexia; Fulminating hyperpyrexia; Pharmacogenic myopathy; RYR1-Related Malignant Hyperthermia Susceptibility; Malignant hyperthermia suceptibility 1. Identifiers: Orphanet 423, MedGen C2930980, MONDO:0007783, OMIM 145600.

Submission:

All of Us Research Program, National Institutes of Health
Classification: Uncertain significance for Malignant hyperthermia, susceptibility to, 1. Last evaluated: 2023-12-01. Review status: criteria provided, single submitter. Criteria: ACMG Guidelines, 2015. Collection method: clinical testing. Allele origin: germline. Inheritance: Autosomal dominant inheritance. Observed: 2 variant alleles, 2 heterozygotes.
Comment: This study involves interpretation of variants in research participants for the purpose of population health screening. Participant phenotype was not available at the time of variant classification. Additional details can be found in publication PMID: 35346344, PMCID: PMC8962531

NM_000540.3(RYR1):c.4423A>C (p.Met1475Leu)

Gene: RYR1 (ryanodine receptor 1; plus strand). Cytogenetic location: 19q13.2.
Variant type: single nucleotide variant.
Coding change: c.4423A>C on transcript NM_000540.3 (MANE Select); coding-DNA position 4423, A replaced by C.
Protein change: p.Met1475Leu; replaces methionine 1475 with leucine.
Molecular consequence: missense variant.
Genome position (GRCh38, 1-based): chr19:38,477,839, A>C. VCF-style: chr19-38477839-A-C. GRCh37 (hg19) VCF-style: chr19-38968479-A-C.
Other names: c.4423A>C, p.Met1475Leu (NM_001042723.2); short protein forms M1475L.
Identifiers: ClinVar variation 3071742 (VCV003071742.1), dbSNP rs2514178165, ClinGen allele CA405646224.
Genomic context (GRCh38, chr19:38,477,839, plus strand): 5'-GACTACCATCAGCACGACATGAGCTTCGACCTCAGCAAGGTCCGGGTCGTGACGGTGACC[A>C]TGGGGGATGAACAAGGCAACGTCCACAGCAGGTGCCGGGGCTGGGGGGAGGTGGGAGGTG-3'
Protein context (NP_000531.2, residues 1465-1485): LSKVRVVTVT[Met1475Leu]GDEQGNVHSS